The following is an entry in ClinVar:

ClinVar aggregate classification (germline): Pathogenic (1 of 4 stars; one submission).

Conditions:
Anauxetic dysplasia. Identifiers: Orphanet 93347, MedGen C1846796, MONDO:0011773.

Submission:

Labcorp Genetics (formerly Invitae), Labcorp
Classification: Pathogenic for Anauxetic dysplasia. Last evaluated: 2022-11-08. Review status: criteria provided, single submitter. Criteria: Invitae Variant Classification Sherloc (09022015). Collection method: clinical testing. Allele origin: germline.
Comment: While this particular variant has not been reported in the literature, it is located in the promoter region between the TATA box and the transcription initiation site, and other insertions and duplications immediately upstream of the coding sequence have been reported in individuals affected with cartilage-hair hypoplasia-anauxetic dysplasia (CHH-AD) spectrum disorders (PMID: 16244706, 11207361, 12107819). This variant is not present in population databases (gnomAD no frequency). This variant occurs in the RMRP gene, which encodes an RNA molecule that does not result in a protein product. While functional studies for this variant have not been reported, experimental analyses using patient derived cells, as well as in vitro transfection studies, have shown that promoter insertions result in silencing of RMRP transcription and reduced expression of the gene product (PMID: 11207361, 16254002). For these reasons, this variant has been classified as Pathogenic.

Literature cited by the submitters: PubMed 16244706; PubMed 11207361; PubMed 12107819; PubMed 16254002.

NC_000009.12:g.35658025_35658037dup

Gene: RMRP (RNA component of mitochondrial RNA processing endoribonuclease; minus strand). Cytogenetic location: 9p13.3.
Variant type: Duplication.
Genome position: GRCh38 VCF-style: chr9-35658024-C-CTCAGCTTCACAGA. GRCh37 (hg19) VCF-style: chr9-35658021-C-CTCAGCTTCACAGA.
Identifiers: ClinVar variation 1067112 (VCV001067112.9), dbSNP rs1823639598, ClinGen allele CA2499219894.